The following is an entry in ClinVar:

ClinVar aggregate classification (germline): Uncertain significance (1 of 4 stars; one submission).

Submission:

GeneDx
Classification: Uncertain significance. Last evaluated: 2019-08-21. Review status: criteria provided, single submitter. Criteria: GeneDx Variant Classification Process June 2021. Collection method: clinical testing. Allele origin: germline. Affected: yes.
Comment: Not observed in large population cohorts (Lek et al., 2016); In silico analysis, which includes protein predictors and evolutionary conservation, supports a deleterious effect; Has not been previously published as pathogenic or benign to our knowledge

NM_024408.4(NOTCH2):c.5195A>G (p.Gln1732Arg)

Gene: NOTCH2 (notch receptor 2; minus strand). Cytogenetic location: 1p12.
Variant type: single nucleotide variant.
Coding change: c.5195A>G on transcript NM_024408.4 (MANE Select); coding-DNA position 5195, A replaced by G.
Protein change: p.Gln1732Arg; replaces glutamine 1732 with arginine.
Molecular consequence: missense variant.
Genome position (GRCh38, 1-based): chr1:119,922,254, T>C on the plus strand (A>G on the coding strand, the complement: NOTCH2 is on the minus strand). VCF-style: chr1-119922254-T-C. GRCh37 (hg19) VCF-style: chr1-120464877-T-C.
Other names: short protein forms Q1732R.
Identifiers: ClinVar variation 1303964 (VCV001303964.2), dbSNP rs2101154174, ClinGen allele CA341886665.
Genomic context (GRCh38, chr1:119,922,254, plus strand): 5'-TACTTATACTGTGAATAGTGGCTTATTGGCAATGCCTCTTACTTCAGCCCCACAGCATCC[T>C]GTCCCACTGGCTCACGACGCTTGTGATTGCTTGCATCTCGGCGAAGAGTGAAACCTTCAG-3'
Protein context (NP_077719.2, residues 1722-1742): SNHKRREPVG[Gln1732Arg]DAVGLKNLSV